The following is an entry in ClinVar:

ClinVar aggregate classification (germline): Uncertain significance (1 of 4 stars; one submission).

Conditions:
Charcot-Marie-Tooth disease axonal type 2O. Also called: Charcot-Marie-Tooth Neuropathy Type 2O; CHARCOT-MARIE-TOOTH NEUROPATHY, AXONAL, TYPE 2O; CHARCOT-MARIE-TOOTH DISEASE, AXONAL, AUTOSOMAL DOMINANT, TYPE 2O; Charcot-Marie-Tooth disease, axonal, type 20. Identifiers: Orphanet 284232, MedGen C3280220, MONDO:0013644, OMIM 614228.

Allele frequency attached by ClinVar (database versions not stated): gnomAD exomes below 0.00001; TOPMed below 0.00001; ExAC 0.00001.
gnomAD v4.1: 4 of 1,614,184 alleles (0.00025%); highest among the groups gnomAD compares: Non-Finnish European, 0.00025%; no homozygotes.

Submission:

Labcorp Genetics (formerly Invitae), Labcorp
Classification: Uncertain significance for Charcot-Marie-Tooth disease axonal type 2O. Last evaluated: 2023-03-24. Review status: criteria provided, single submitter. Criteria: Invitae Variant Classification Sherloc (09022015). Collection method: clinical testing. Allele origin: germline.
Comment: In summary, the available evidence is currently insufficient to determine the role of this variant in disease. Therefore, it has been classified as a Variant of Uncertain Significance. Advanced modeling of protein sequence and biophysical properties (such as structural, functional, and spatial information, amino acid conservation, physicochemical variation, residue mobility, and thermodynamic stability) performed at Invitae indicates that this missense variant is expected to disrupt DYNC1H1 protein function. This sequence change replaces arginine, which is basic and polar, with histidine, which is basic and polar, at codon 2576 of the DYNC1H1 protein (p.Arg2576His). ClinVar contains an entry for this variant (Variation ID: 647166). This variant has not been reported in the literature in individuals affected with DYNC1H1-related conditions. This variant is present in population databases (rs756288729, gnomAD 0.0009%).

NM_001376.5(DYNC1H1):c.7727G>A (p.Arg2576His)

Gene: DYNC1H1 (dynein cytoplasmic 1 heavy chain 1; plus strand). Cytogenetic location: 14q32.31.
Variant type: single nucleotide variant.
Coding change: c.7727G>A on transcript NM_001376.5 (MANE Select); coding-DNA position 7727, G replaced by A.
Protein change: p.Arg2576His; replaces arginine 2576 with histidine.
Molecular consequence: missense variant.
Genome position (GRCh38, 1-based): chr14:102,016,878, G>A. VCF-style: chr14-102016878-G-A. GRCh37 (hg19) VCF-style: chr14-102483215-G-A.
Other names: short protein forms R2576H.
Identifiers: ClinVar variation 647166 (VCV000647166.8), dbSNP rs756288729, ClinGen allele CA7352881.